The following is an entry in ClinVar:

ClinVar aggregate classification (germline): Uncertain significance (0 of 4 stars; one submission).

Conditions:
UCP3-related disorder. Also called: UCP3-related condition.

gnomAD v4.1: 108 of 1,614,014 alleles (0.0067%); highest among the groups gnomAD compares: Non-Finnish European, 0.0092%; no homozygotes.

Submission:

PreventionGenetics, part of Exact Sciences
Classification: Uncertain significance for UCP3-related condition. Last evaluated: 2024-05-01. Review status: no assertion criteria provided. Collection method: clinical testing. Allele origin: germline.
Comment: The UCP3 c.712G>T variant is predicted to result in the amino acid substitution p.Val238Leu. To our knowledge, this variant has not been reported in the literature. This variant is reported in 0.00088% of alleles in individuals of European (Non-Finnish) descent in gnomAD. At this time, the clinical significance of this variant is uncertain due to the absence of conclusive functional and genetic evidence.

NM_003356.4(UCP3):c.712G>T (p.Val238Leu)

Gene: UCP3 (uncoupling protein 3; minus strand). Cytogenetic location: 11q13.4.
Variant type: single nucleotide variant.
Coding change: c.712G>T on transcript NM_003356.4 (MANE Select); coding-DNA position 712, G replaced by T.
Protein change: p.Val238Leu; replaces valine 238 with leucine.
Molecular consequence: missense variant.
Genome position (GRCh38, 1-based): chr11:74,003,939, C>A on the plus strand (G>T on the coding strand, the complement: UCP3 is on the minus strand). VCF-style: chr11-74003939-C-A. GRCh37 (hg19) VCF-style: chr11-73714984-C-A.
Other names: c.712G>T, p.Val238Leu (NM_022803.3); short protein forms V238L.
Identifiers: ClinVar variation 3351644 (VCV003351644.1).